The following is an entry in ClinVar:

ClinVar aggregate classification (germline): Likely benign. Review status: criteria provided, multiple submitters, no conflicts (2 of 4 stars). 4 submissions from 4 submitters: Likely benign (3). 1 of the submissions does not count toward it. Last evaluated 2025-06-01.

Conditions:
PDE6A-related disorder. Also called: PDE6A-related condition.
Retinal dystrophy. Also called: Inherited retinal dystrophy. Identifiers: Orphanet 71862, MedGen C0854723, MeSH D058499, MONDO:0019118, HP:0000556.

Allele frequency attached by ClinVar (database versions not stated): TOPMed 0.00003; gnomAD 0.00009 and 0.00010.
gnomAD v4.1: 72 of 1,613,818 alleles (0.0045%); highest among the groups gnomAD compares: South Asian, 0.016%; no homozygotes.

Submissions (4):

PreventionGenetics, part of Exact Sciences
Classification: Likely benign for PDE6A-related condition. Last evaluated: 2025-06-01. Review status: criteria provided, single submitter. Criteria: ACMG Guidelines, 2015. Collection method: clinical testing. Allele origin: germline.
Comment: This variant is classified as likely benign based on ACMG/AMP sequence variant interpretation guidelines (Richards et al. 2015 PMID: 25741868, with internal and published modifications).

Labcorp Genetics (formerly Invitae), Labcorp
Classification: Likely benign. Last evaluated: 2024-12-05. Review status: criteria provided, single submitter. Criteria: Invitae Variant Classification Sherloc (09022015). Collection method: clinical testing. Allele origin: germline.

Blueprint Genetics
Classification: Likely benign. Last evaluated: 2022-11-10. Review status: criteria provided, single submitter. Criteria: ACMG Guidelines, 2015. Collection method: clinical testing. Allele origin: germline.

Institute of Human Genetics, Univ. Regensburg, Univ. Regensburg
Classification: Uncertain significance for Retinal dystrophy. Last evaluated: 2017-01-01. Review status: no assertion criteria provided. Criteria: ACMG Guidelines, 2015. Collection method: clinical testing. Allele origin: germline. Affected: yes. Not counted in ClinVar's aggregate classification.

NM_000440.3(PDE6A):c.1092G>A (p.Ala364=)

Gene: PDE6A (phosphodiesterase 6A; minus strand). Cytogenetic location: 5q32.
Variant type: single nucleotide variant.
Coding change: c.1092G>A on transcript NM_000440.3 (MANE Select); coding-DNA position 1092, G replaced by A.
Protein change: p.Ala364=; no amino-acid change (alanine 364 retained).
Molecular consequence: synonymous variant.
Genome position (GRCh38, 1-based): chr5:149,903,669, C>T on the plus strand (G>A on the coding strand, the complement: PDE6A is on the minus strand). VCF-style: chr5-149903669-C-T. GRCh37 (hg19) VCF-style: chr5-149283232-C-T.
Other names: c.1092G>A (NM_000440.2).
Identifiers: ClinVar variation 1142110 (VCV001142110.12), dbSNP rs774836540, ClinGen allele CA3504788.